The following is an entry in ClinVar:

ClinVar aggregate classification (germline): Benign (0 of 4 stars; one submission).

Conditions:
TTC21A-related disorder. Also called: TTC21A-related condition.

Allele frequency attached by ClinVar (database versions not stated): TOPMed 0.69904; 1000 Genomes Project 30x 0.70253; ESP Exome Variant Server 0.70421; 1000 Genomes Project 0.70687; ExAC 0.75017; gnomAD exomes 0.75838.

Submission:

PreventionGenetics, part of Exact Sciences
Classification: Benign for TTC21A-related condition. Last evaluated: 2019-10-29. Review status: no assertion criteria provided. Collection method: clinical testing. Allele origin: germline.
Comment: This variant is classified as benign based on ACMG/AMP sequence variant interpretation guidelines (Richards et al. 2015 PMID: 25741868, with internal and published modifications).

NM_001366900.1(TTC21A):c.3849T>C (p.Ile1283=)

Gene: TTC21A (tetratricopeptide repeat domain 21A; plus strand). Cytogenetic location: 3p22.2.
Variant type: single nucleotide variant.
Coding change: c.3849T>C on transcript NM_001366900.1 (MANE Select); coding-DNA position 3849, T replaced by C.
Protein change: p.Ile1283=; no amino-acid change (isoleucine 1283 retained).
Molecular consequence: synonymous variant. On other transcripts: non-coding transcript variant (3).
Genome position (GRCh38, 1-based): chr3:39,138,608, T>C. VCF-style: chr3-39138608-T-C. GRCh37 (hg19) VCF-style: chr3-39180099-T-C.
Other names: c.3726T>C, p.Ile1242= (NM_001105513.3); c.3873T>C, p.Ile1291= (NM_001366899.1); c.3870T>C, p.Ile1290= (NM_145755.3).
Identifiers: ClinVar variation 3059912 (VCV003059912.2), dbSNP rs784498, ClinGen allele CA2325170.
Genomic context (GRCh38, chr3:39,138,608, plus strand): 5'-CCCGGTAGGCTTCAAACTTGCTTTCAACTACCTGAAGGACAAGAAATTTGTGGAGGCCAT[T>C]GAAATCTGCAACGATGTAAGCCAGCAGCCTTGGTGGGGAGGGCCTGGTGTAGTGGTGGGG-3'
Protein context (NP_001353829.1, residues 1273-1293): YLKDKKFVEA[Ile1283=]EICNDVLREH